The following is an entry in ClinVar:

NM_001365536.1(SCN9A):c.1228C>A (p.Gln410Lys)

Genes: SCN1A-AS1 (SCN1A and SCN9A antisense RNA 1; plus strand), SCN9A (sodium voltage-gated channel alpha subunit 9; minus strand). Cytogenetic location: 2q24.3.
Variant type: single nucleotide variant.
Coding change: c.1228C>A on transcript NM_001365536.1 (MANE Select); coding-DNA position 1228, C replaced by A.
Protein change: p.Gln410Lys; replaces glutamine 410 with lysine.
Molecular consequence: missense variant.
Genome position (GRCh38, 1-based): chr2:166,288,523, G>T on the plus strand (C>A on the coding strand, the complement: SCN9A is on the minus strand). VCF-style: chr2-166288523-G-T. GRCh37 (hg19) VCF-style: chr2-167145033-G-T.
Other names: c.1228C>A, p.Gln410Lys (NM_002977.4); short protein forms Q410K.
Identifiers: ClinVar variation 4872649 (VCV004872649.2).

ClinVar aggregate classification (germline): Uncertain significance (1 of 4 stars; one submission).

gnomAD v4.1: 1 of 1,613,174 alleles (0.000062%); highest among the groups gnomAD compares: Non-Finnish European, 0.000085%; no homozygotes.

Submission:

CeGaT Center for Human Genetics Tuebingen
Classification: Uncertain significance. Last evaluated: 2026-06-01. Review status: criteria provided, single submitter. Criteria: CeGaT Center For Human Genetics Tuebingen Variant Classification Criteria Version 2. Collection method: clinical testing. Allele origin: germline. Affected: yes. Observed: 1 variant allele.
Comment: SCN9A: PM2